The following is an entry in ClinVar:

ClinVar aggregate classification (germline): Uncertain significance. Review status: criteria provided, multiple submitters, no conflicts (2 of 4 stars). 2 submissions from 2 submitters: Uncertain significance (2). Last evaluated 2025-06-24.

Conditions:
Hereditary cancer-predisposing syndrome. Also called: Neoplastic Syndromes, Hereditary; Tumor predisposition; Hereditary neoplastic syndrome; Hereditary Cancer Syndrome. Identifiers: Orphanet 140162, MedGen C0027672, MeSH D009386, MONDO:0015356.

Submissions (2):

Ambry Genetics
Classification: Uncertain significance for Hereditary cancer-predisposing syndrome. Last evaluated: 2025-06-24. Review status: criteria provided, single submitter. Criteria: Ambry Variant Classification Scheme 2023. Collection method: clinical testing. Allele origin: germline.
Comment: The p.T3137N variant (also known as c.9410C>A), located in coding exon 24 of the BRCA2 gene, results from a C to A substitution at nucleotide position 9410. The threonine at codon 3137 is replaced by asparagine, an amino acid with similar properties. This amino acid position is conserved. In addition, the in silico prediction for this alteration is inconclusive. Based on the available evidence, the clinical significance of this variant remains unclear.

Women's Health and Genetics/Laboratory Corporation of America, LabCorp
Classification: Uncertain significance. Last evaluated: 2024-05-14. Review status: criteria provided, single submitter. Criteria: LabCorp Variant Classification Summary - May 2015. Collection method: clinical testing. Allele origin: germline.
Comment: Variant summary: BRCA2 c.9410C>A (p.Thr3137Asn) results in a non-conservative amino acid change in the encoded protein sequence. Three of five in-silico tools predict a damaging effect of the variant on protein function. The variant was absent in 251358 control chromosomes. The available data on variant occurrences in the general population are insufficient to allow any conclusion about variant significance. To our knowledge, no occurrence of c.9410C>A in individuals affected with Hereditary Breast And Ovarian Cancer Syndrome and no experimental evidence demonstrating its impact on protein function have been reported. No submitters have cited clinical-significance assessments for this variant to ClinVar. Based on the evidence outlined above, the variant was classified as uncertain significance.

NM_000059.4(BRCA2):c.9410C>A (p.Thr3137Asn)

Gene: BRCA2 (BRCA2 DNA repair associated; plus strand). Cytogenetic location: 13q13.1.
Variant type: single nucleotide variant.
Coding change: c.9410C>A on transcript NM_000059.4 (MANE Select); coding-DNA position 9410, C replaced by A.
Protein change: p.Thr3137Asn; replaces threonine 3137 with asparagine.
Molecular consequence: missense variant. On other transcripts: non-coding transcript variant (1).
Genome position (GRCh38, 1-based): chr13:32,394,842, C>A. VCF-style: chr13-32394842-C-A. GRCh37 (hg19) VCF-style: chr13-32968979-C-A.
Other names: c.9314C>A, p.Thr3105Asn (NM_001406719.1); c.9359C>A, p.Thr3120Asn (NM_001406720.1); c.4478C>A, p.Thr1493Asn (NM_001406721.1); c.2993C>A, p.Thr998Asn (NM_001406722.1); short protein forms T1493N, T3105N, T3120N, T3137N, T998N.
Identifiers: ClinVar variation 3335971 (VCV003335971.2).